The following is an entry in ClinVar:

ClinVar aggregate classification (germline): Uncertain significance (1 of 4 stars; one submission).

gnomAD v4.1: 5 of 1,614,160 alleles (0.00031%); highest among the groups gnomAD compares: Non-Finnish European, 0.00042%; no homozygotes.

Submission:

Mayo Clinic Laboratories, Mayo Clinic
Classification: Uncertain significance. Last evaluated: 2025-07-23. Review status: criteria provided, single submitter. Criteria: ACMG Guidelines, 2015. Collection method: clinical testing. Allele origin: germline. Observed: 1 variant allele.
Comment: BP4_moderate, PM2_supporting

NM_000426.4(LAMA2):c.1736C>A (p.Pro579Gln)

Gene: LAMA2 (laminin subunit alpha 2; plus strand). Cytogenetic location: 6q22.33.
Variant type: single nucleotide variant.
Coding change: c.1736C>A on transcript NM_000426.4 (MANE Select); coding-DNA position 1736, C replaced by A.
Protein change: p.Pro579Gln; replaces proline 579 with glutamine.
Molecular consequence: missense variant.
Genome position (GRCh38, 1-based): chr6:129,192,807, C>A. VCF-style: chr6-129192807-C-A. GRCh37 (hg19) VCF-style: chr6-129513952-C-A.
Other names: p.Pro579Gln; c.1736C>A, p.Pro579Gln (NM_001079823.2); short protein forms P579Q.
Identifiers: ClinVar variation 4541210 (VCV004541210.1).